The following is an entry in ClinVar:

ClinVar aggregate classification (germline): Likely benign (1 of 4 stars; one submission).

Allele frequency attached by ClinVar (database versions not stated): gnomAD exomes 0.00001; ExAC 0.00004; TOPMed 0.00007.
gnomAD v4.1: 21 of 1,531,530 alleles (0.0014%); highest among the groups gnomAD compares: African/African-American, 0.017%; no homozygotes.

Submission:

CeGaT Center for Human Genetics Tuebingen
Classification: Likely benign. Last evaluated: 2024-04-01. Review status: criteria provided, single submitter. Criteria: CeGaT Center For Human Genetics Tuebingen Variant Classification Criteria Version 2. Collection method: clinical testing. Allele origin: germline. Affected: yes. Observed: 1 variant allele.
Comment: TLNRD1: BP4, BP7

NM_022566.3(TLNRD1):c.183C>T (p.Leu61=)

Gene: TLNRD1 (talin rod domain containing 1; plus strand). Cytogenetic location: 15q25.1.
Variant type: single nucleotide variant.
Coding change: c.183C>T on transcript NM_022566.3 (MANE Select); coding-DNA position 183, C replaced by T.
Protein change: p.Leu61=; no amino-acid change (leucine 61 retained).
Molecular consequence: synonymous variant.
Genome position (GRCh38, 1-based): chr15:81,002,454, C>T. VCF-style: chr15-81002454-C-T. GRCh37 (hg19) VCF-style: chr15-81294795-C-T.
Identifiers: ClinVar variation 3234752 (VCV003234752.20), dbSNP rs757296516, ClinGen allele CA7694112.